The following is an entry in ClinVar:

ClinVar aggregate classification (germline): Uncertain significance (1 of 4 stars; one submission).

Conditions:
Cardiovascular phenotype. Identifiers: MedGen CN230736.

Submission:

Ambry Genetics
Classification: Uncertain significance for Cardiovascular phenotype. Last evaluated: 2026-03-29. Review status: criteria provided, single submitter. Criteria: Ambry Variant Classification Scheme 2023. Collection method: clinical testing. Allele origin: germline.
Comment: The p.L2213F variant (also known as c.6639G>T), located in coding exon 46 of the DMD gene, results from a G to T substitution at nucleotide position 6639. The leucine at codon 2213 is replaced by phenylalanine, an amino acid with highly similar properties. This amino acid position is conserved. In addition, this alteration is predicted to be tolerated by in silico analysis. Based on the available evidence, the clinical significance of this variant remains unclear.

NM_004006.3(DMD):c.6639G>T (p.Leu2213Phe)

Gene: DMD (dystrophin; minus strand). Cytogenetic location: Xp21.1.
Variant type: single nucleotide variant.
Coding change: c.6639G>T on transcript NM_004006.3 (MANE Select); coding-DNA position 6639, G replaced by T.
Protein change: p.Leu2213Phe; replaces leucine 2213 with phenylalanine.
Molecular consequence: missense variant. On other transcripts: 5 prime UTR variant (5).
Genome position (GRCh38, 1-based): chrX:31,932,203, C>A on the plus strand (G>T on the coding strand, the complement: DMD is on the minus strand). VCF-style: chrX-31932203-C-A. GRCh37 (hg19) VCF-style: chrX-31950320-C-A.
Other names: c.6627G>T, p.Leu2209Phe (NM_004009.3); c.6270G>T, p.Leu2090Phe (NM_004010.3); c.2616G>T, p.Leu872Phe (NM_004011.4); c.2607G>T, p.Leu869Phe (NM_004012.4); c.-742G>T (NM_004013.3, NM_004020.4, NM_004021.3 and 2 more transcripts); c.6615G>T, p.Leu2205Phe (NM_000109.4); short protein forms L2090F, L2205F, L2209F, L2213F, L869F, L872F.
Identifiers: ClinVar variation 4869861 (VCV004869861.1).